The following is an entry in ClinVar:

ClinVar aggregate classification (germline): Benign (1 of 4 stars; one submission).

Allele frequency attached by ClinVar (database versions not stated): 1000 Genomes Project 30x 0.00297; 1000 Genomes Project 0.00300; gnomAD 0.00845; ESP Exome Variant Server 0.01171; gnomAD exomes 0.01375.
gnomAD v4.1: 21,238 of 1,612,058 alleles (1.3%); highest among the groups gnomAD compares: Non-Finnish European, 1.6%; 168 homozygotes.

Submission:

CeGaT Center for Human Genetics Tuebingen
Classification: Benign. Last evaluated: 2023-02-01. Review status: criteria provided, single submitter. Criteria: CeGaT Center For Human Genetics Tuebingen Variant Classification Criteria Version 2. Collection method: clinical testing. Allele origin: germline. Affected: yes. Observed: 1 variant allele.
Comment: NOMO1: BP4, BP7, BS1, BS2

NM_014287.4(NOMO1):c.2250G>A (p.Ser750=)

Gene: NOMO1 (NODAL modulator 1). Cytogenetic location: 16p13.11.
Variant type: single nucleotide variant.
Coding change: c.2250G>A on transcript NM_014287.4 (MANE Select); coding-DNA position 2250, G replaced by A.
Protein change: p.Ser750=; no amino-acid change (serine 750 retained).
Molecular consequence: synonymous variant.
Genome position (GRCh38, 1-based): chr16:14,875,231, G>A. VCF-style: chr16-14875231-G-A. GRCh37 (hg19) VCF-style: chr16-14969088-G-A.
Identifiers: ClinVar variation 2646242 (VCV002646242.23), dbSNP rs139588276, ClinGen allele CA7913653.